The following is an entry in ClinVar:

ClinVar aggregate classification (germline): Likely pathogenic (1 of 4 stars; one submission).

Conditions:
Dilated cardiomyopathy 1G (CMD1G). Identifiers: Orphanet 154, MedGen C1858763, MONDO:0011400, OMIM 604145.

Submission:

MVZ Medizinische Genetik Mainz
Classification: Likely pathogenic for Dilated cardiomyopathy 1G. Last evaluated: 2024-01-08. Review status: criteria provided, single submitter. Criteria: UK Practice Guidelines For Variant Classification V4 01 2020. Collection method: clinical testing. Allele origin: germline. Inheritance: Autosomal dominant inheritance. Affected: yes. Observed: 1 variant allele.
Comment: ACMG Criteria: PVS1,PM2_SUP

NM_001267550.2(TTN):c.61408_61409del (p.Ile20470fs)

Genes: TTN (titin; minus strand), TTN-AS1 (TTN antisense RNA 1; plus strand). Cytogenetic location: 2q31.2.
Variant type: Microsatellite.
Coding change: c.61408_61409del on transcript NM_001267550.2 (MANE Select); coding-DNA positions 61408 to 61409, 2 bases deleted (AT; older notation c.61408_61409delAT).
Protein change: p.Ile20470fs; shifts the reading frame from isoleucine 20470.
Molecular consequence: frameshift variant.
Genome position (GRCh38, 1-based): chr2:178,590,316-178,590,317, AT deleted on the plus strand (AT on the coding strand, the reverse complement: TTN is on the minus strand); deleting any 2 consecutive bases within chr2:178,590,316-178,590,319 gives the same sequence; the c. name uses the placement nearest the transcript's 3' end. VCF-style (leftmost placement, unchanged base first): chr2-178590315-GAT-G. GRCh37 (hg19) VCF-style: chr2-179455042-GAT-G.
Other names: c.56485_56486del, p.Ile18829fs (NM_001256850.1); c.34213_34214del, p.Ile11405fs (NM_003319.4); c.53704_53705del, p.Ile17902fs (NM_133378.4); c.34588_34589del, p.Ile11530fs (NM_133432.3); c.34789_34790del, p.Ile11597fs (NM_133437.4); short protein forms I11405fs, I11530fs, I11597fs, I17902fs, I18829fs, I20470fs.
Identifiers: ClinVar variation 3236087 (VCV003236087.1), dbSNP rs2469430815, ClinGen allele CA2825001030.